The following is an entry in ClinVar:

NM_001365536.1(SCN9A):c.1999A>G (p.Lys667Glu)

Genes: SCN1A-AS1 (SCN1A and SCN9A antisense RNA 1; plus strand), SCN9A (sodium voltage-gated channel alpha subunit 9; minus strand). Cytogenetic location: 2q24.3.
Variant type: single nucleotide variant.
Coding change: c.1999A>G on transcript NM_001365536.1 (MANE Select); coding-DNA position 1999, A replaced by G.
Protein change: p.Lys667Glu; replaces lysine 667 with glutamic acid.
Molecular consequence: missense variant.
Genome position (GRCh38, 1-based): chr2:166,281,784, T>C on the plus strand (A>G on the coding strand, the complement: SCN9A is on the minus strand). VCF-style: chr2-166281784-T-C. GRCh37 (hg19) VCF-style: chr2-167138294-T-C.
Other names: c.1966A>G, p.Lys656Glu (NM_002977.4); short protein forms K656E, K667E.
Identifiers: ClinVar variation 373455 (VCV000373455.3), dbSNP rs775090142, ClinGen allele CA1944363.

ClinVar aggregate classification (germline): Uncertain significance. Review status: criteria provided, multiple submitters, no conflicts (2 of 4 stars). 2 submissions from 2 submitters: Uncertain significance (2). Last evaluated 2022-03-18.

Conditions:
Inborn genetic diseases. Identifiers: MedGen C0950123, MeSH D030342.

Allele frequency attached by ClinVar (database versions not stated): gnomAD exomes below 0.00001; ExAC 0.00001; TOPMed 0.00001.
gnomAD v4.1: 2 of 1,612,704 alleles (0.00012%); highest among the groups gnomAD compares: Non-Finnish European, 0.00017%; no homozygotes.

Submissions (2):

Ambry Genetics
Classification: Uncertain significance for Inborn genetic diseases. Last evaluated: 2022-03-18. Review status: criteria provided, single submitter. Criteria: Ambry Variant Classification Scheme 2023. Collection method: clinical testing. Allele origin: germline.
Comment: The p.K656E variant (also known as c.1966A>G), located in coding exon 12 of the SCN9A gene, results from an A to G substitution at nucleotide position 1966. The lysine at codon 656 is replaced by glutamic acid, an amino acid with similar properties. This amino acid position is conserved. In addition, this alteration is predicted to be deleterious by in silico analysis. Since supporting evidence is limited at this time, the clinical significance of this alteration remains unclear.

GeneDx
Classification: Uncertain significance. Last evaluated: 2016-12-01. Review status: criteria provided, single submitter. Criteria: GeneDx Variant Classification (06012015). Collection method: clinical testing. Allele origin: germline. Affected: yes.
Comment: The K656E variant in the SCN9A gene has not been reported previously as a pathogenic variant, nor as a benign variant, to our knowledge. The K656E variant was not observed in approximately 6000 individuals of European and African American ancestry in the NHLBI Exome Sequencing Project, indicating it is not a common benign variant in these populations. The K656E variant is a non-conservative amino acid substitution, which is likely to impact secondary protein structure as these residues differ in polarity, charge, size and/or other properties. This substitution occurs at a position that is conserved across species. In silico analysis predicts this variant is probably damaging to the protein structure/function. We interpret K656E as a variant of uncertain significance.